The following is an entry in ClinVar:

ClinVar aggregate classification (germline): Conflicting classifications of pathogenicity. Review status: criteria provided, conflicting classifications (1 of 4 stars). 2 submissions from 2 submitters: Likely pathogenic (1); Uncertain significance (1). Last evaluated 2025-10-02.

Conditions:
Charcot-Marie-Tooth disease type 4A. Also called: Charcot-Marie-Tooth disease, demyelinating, autosomal recessive, type 4a. Identifiers: Orphanet 99948, MedGen C1859198, MONDO:0008961, OMIM 214400.

gnomAD v4.1: 2 of 1,614,038 alleles (0.00012%); highest among the groups gnomAD compares: Admixed American, 0.0033%; no homozygotes.

Submissions (2):

Labcorp Genetics (formerly Invitae), Labcorp
Classification: Uncertain significance for Charcot-Marie-Tooth disease type 4A. Last evaluated: 2025-10-02. Review status: criteria provided, single submitter. Criteria: Invitae Variant Classification Sherloc (09022015). Collection method: clinical testing. Allele origin: germline.
Comment: This sequence change replaces aspartic acid, which is acidic and polar, with histidine, which is basic and polar, at codon 149 of the GDAP1 protein (p.Asp149His). This variant is not present in population databases (gnomAD no frequency). This missense change has been observed in individual(s) with clinical features of autosomal recessive GDAP1-related conditions (internal data). It has also been observed to segregate with disease in related individuals. ClinVar contains an entry for this variant (Variation ID: 1507264). Invitae Evidence Modeling of protein sequence and biophysical properties (such as structural, functional, and spatial information, amino acid conservation, physicochemical variation, residue mobility, and thermodynamic stability) indicates that this missense variant is not expected to disrupt GDAP1 protein function with a negative predictive value of 80%. This variant disrupts the p.Asp149 amino acid residue in GDAP1. Other variant(s) that disrupt this residue have been determined to be pathogenic (PMID: 15469949; internal data). This suggests that this residue is clinically significant, and that variants that disrupt this residue are likely to be disease-causing. In summary, the available evidence is currently insufficient to determine the role of this variant in disease. Therefore, it has been classified as a Variant of Uncertain Significance.

GeneDx
Classification: Likely pathogenic. Last evaluated: 2022-10-19. Review status: criteria provided, single submitter. Criteria: GeneDx Variant Classification Process June 2021. Collection method: clinical testing. Allele origin: germline. Affected: yes.
Comment: Not observed at significant frequency in large population cohorts (gnomAD); In silico analysis supports that this missense variant does not alter protein structure/function; Has not been previously published as pathogenic or benign to our knowledge

Literature cited by the submitters: PubMed 15469949 (cited by Labcorp Genetics (formerly Invitae), Labcorp).

NM_018972.4(GDAP1):c.445G>C (p.Asp149His)

Gene: GDAP1 (ganglioside induced differentiation associated protein 1; plus strand). Cytogenetic location: 8q21.11.
Variant type: single nucleotide variant.
Coding change: c.445G>C on transcript NM_018972.4 (MANE Select); coding-DNA position 445, G replaced by C.
Protein change: p.Asp149His; replaces aspartic acid 149 with histidine.
Molecular consequence: missense variant. On other transcripts: intron variant (1).
Genome position (GRCh38, 1-based): chr8:74,360,271, G>C. VCF-style: chr8-74360271-G-C. GRCh37 (hg19) VCF-style: chr8-75272506-G-C.
Other names: c.445G>C (NM_018972.2); c.241G>C, p.Asp81His (NM_001040875.4); c.118G>C, p.Asp40His (NM_001362929.2, NM_001362932.2); c.445G>C, p.Asp149His (NM_001362931.2); c.311-1613G>C (NM_001362930.2); short protein forms D40H, D81H, D149H.
Identifiers: ClinVar variation 1507264 (VCV001507264.10), dbSNP rs1443963090, ClinGen allele CA371548883.